The following is an entry in ClinVar:

NM_001099922.3(ALG13):c.256T>A (p.Cys86Ser)

Gene: ALG13 (ALG13 UDP-N-acetylglucosaminyltransferase subunit; plus strand). Cytogenetic location: Xq23.
Variant type: single nucleotide variant.
Coding change: c.256T>A on transcript NM_001099922.3 (MANE Select); coding-DNA position 256, T replaced by A.
Protein change: p.Cys86Ser; replaces cysteine 86 with serine.
Molecular consequence: missense variant. On other transcripts: 5 prime UTR variant (9), non-coding transcript variant (3).
Genome position (GRCh38, 1-based): chrX:111,684,976, T>A. VCF-style: chrX-111684976-T-A. GRCh37 (hg19) VCF-style: chrX-110928204-T-A.
Other names: c.197T>A, p.Leu66Gln (NM_001039210.5); c.256T>A, p.Cys86Ser (NM_001168385.3, NM_001324292.2, NM_018466.6); c.-57T>A (NM_001257230.2, NM_001257234.2, NM_001257235.3 and 6 more transcripts); c.22T>A, p.Cys8Ser (NM_001257231.2, NM_001257241.3); c.262T>A, p.Cys88Ser (NM_001324290.2); short protein forms C86S, L66Q, C8S, C88S.
Identifiers: ClinVar variation 1499137 (VCV001499137.8), dbSNP rs1934564084, ClinGen allele CA414248551.

ClinVar aggregate classification (germline): Uncertain significance (1 of 4 stars; one submission).

Conditions:
Developmental and epileptic encephalopathy, 36 (DEE36). Also called: ALG13-CDG; Epileptic encephalopathy, early infantile, 36; Congenital disorder of glycosylation, type Is. Identifiers: Orphanet 324422, MedGen C4317295, MONDO:0010472, OMIM 300884.

Allele frequency attached by ClinVar (database versions not stated): gnomAD exomes below 0.00001; gnomAD 0.00001; TOPMed 0.00001.
gnomAD v4.1: 4 of 1,206,318 alleles (0.00033%); highest among the groups gnomAD compares: Non-Finnish European, 0.00045%; no homozygotes.

Submission:

Labcorp Genetics (formerly Invitae), Labcorp
Classification: Uncertain significance for Developmental and epileptic encephalopathy, 36. Last evaluated: 2022-02-10. Review status: criteria provided, single submitter. Criteria: Invitae Variant Classification Sherloc (09022015). Collection method: clinical testing. Allele origin: germline.
Comment: In summary, the available evidence is currently insufficient to determine the role of this variant in disease. Therefore, it has been classified as a Variant of Uncertain Significance. Algorithms developed to predict the effect of missense changes on protein structure and function are either unavailable or do not agree on the potential impact of this missense change (SIFT: "Deleterious"; PolyPhen-2: "Probably Damaging"; Align-GVGD: "Class C0"). This variant has not been reported in the literature in individuals affected with ALG13-related conditions. This variant is not present in population databases (gnomAD no frequency). This sequence change replaces cysteine, which is neutral and slightly polar, with serine, which is neutral and polar, at codon 86 of the ALG13 protein (p.Cys86Ser).